The following is an entry in ClinVar:

ClinVar aggregate classification (germline): Uncertain significance (1 of 4 stars; one submission).

Conditions:
Aspartylglucosaminuria (AGU). Also called: AGA DEFICIENCY; GLYCOASPARAGINASE; GLYCOSYLASPARAGINASE DEFICIENCY; Aspartylglucos-aminuria; Aspartylglucos-amidase (AGA) deficiency. Identifiers: Orphanet 93, MedGen C0268225, MONDO:0008830, OMIM 208400, HP:0012068.

Submission:

Labcorp Genetics (formerly Invitae), Labcorp
Classification: Uncertain significance for Aspartylglucosaminuria. Last evaluated: 2022-08-16. Review status: criteria provided, single submitter. Criteria: Invitae Variant Classification Sherloc (09022015). Collection method: clinical testing. Allele origin: germline.
Comment: Variants that disrupt the consensus splice site are a relatively common cause of aberrant splicing (PMID: 17576681, 9536098). Algorithms developed to predict the effect of sequence changes on RNA splicing suggest that this variant may create or strengthen a splice site. This sequence change falls in intron 1 of the AGA gene. It does not directly change the encoded amino acid sequence of the AGA protein. It affects a nucleotide within the consensus splice site. This variant is not present in population databases (gnomAD no frequency). This variant has not been reported in the literature in individuals affected with AGA-related conditions. ClinVar contains an entry for this variant (Variation ID: 942524). In summary, the available evidence is currently insufficient to determine the role of this variant in disease. Therefore, it has been classified as a Variant of Uncertain Significance.

Literature cited by the submitters: PubMed 17576681; PubMed 9536098.

NM_000027.4(AGA):c.127+5G>A

Gene: AGA (aspartylglucosaminidase; minus strand). Cytogenetic location: 4q34.3.
Variant type: single nucleotide variant.
Coding change: c.127+5G>A on transcript NM_000027.4 (MANE Select); 5 bases into the intron after coding-DNA position 127, G replaced by A.
Molecular consequence: intron variant.
Genome position (GRCh38, 1-based): chr4:177,442,244, C>T on the plus strand (G>A on the coding strand, the complement: AGA is on the minus strand). VCF-style: chr4-177442244-C-T. GRCh37 (hg19) VCF-style: chr4-178363398-C-T.
Other names: c.127+5G>A (NM_001171988.2).
Identifiers: ClinVar variation 942524 (VCV000942524.7), dbSNP rs1327701669, ClinGen allele CA1139658708.